The following is an entry in ClinVar:

NM_000789.4(ACE):c.1292C>T (p.Pro431Leu)

Gene: ACE (angiotensin I converting enzyme; plus strand). Cytogenetic location: 17q23.3.
Variant type: single nucleotide variant.
Coding change: c.1292C>T on transcript NM_000789.4 (MANE Select); coding-DNA position 1292, C replaced by T.
Protein change: p.Pro431Leu; replaces proline 431 with leucine.
Molecular consequence: missense variant.
Genome position (GRCh38, 1-based): chr17:63,482,639, C>T. VCF-style: chr17-63482639-C-T. GRCh37 (hg19) VCF-style: chr17-61560000-C-T.
Other names: c.725C>T, p.Pro242Leu (NM_001382700.1); c.440C>T, p.Pro147Leu (NM_001382701.1); short protein forms P147L, P242L, P431L.
Identifiers: ClinVar variation 1306569 (VCV001306569.2), dbSNP rs2049729701, ClinGen allele CA400549770.

ClinVar aggregate classification (germline): Uncertain significance (1 of 4 stars; one submission).

Allele frequency attached by ClinVar (database versions not stated): TOPMed below 0.00001.
gnomAD v4.1: 1 of 1,614,036 alleles (0.000062%); highest among the groups gnomAD compares: Non-Finnish European, 0.000085%; no homozygotes.

Submission:

GeneDx
Classification: Uncertain significance. Last evaluated: 2021-04-09. Review status: criteria provided, single submitter. Criteria: GeneDx Variant Classification Process June 2021. Collection method: clinical testing. Allele origin: germline. Affected: yes.
Comment: Not observed in large population cohorts (Lek et al., 2016); In silico analysis, which includes protein predictors and evolutionary conservation, supports a deleterious effect; Has not been previously published as pathogenic or benign to our knowledge